The following is an entry in ClinVar:

ClinVar aggregate classification (germline): Uncertain significance. Review status: criteria provided, multiple submitters, no conflicts (2 of 4 stars). 2 submissions from 2 submitters: Uncertain significance (2). Last evaluated 2025-08-30.

Conditions:
Cardiovascular phenotype. Identifiers: MedGen CN230736.
Brugada syndrome. Also called: Sudden Unexplained Death Syndrome; Sudden Unexplained Nocturnal Death Syndrome (SUNDS); Sudden unexplained nocturnal death syndrome; Sudden unexpected nocturnal death syndrome. Identifiers: Orphanet 130, MedGen C1142166, MONDO:0015263.

Allele frequency attached by ClinVar (database versions not stated): ExAC 0.00001; gnomAD 0.00001; gnomAD exomes 0.00001 and 0.00004; TOPMed 0.00001.
gnomAD v4.1: 59 of 1,611,280 alleles (0.0037%); highest among the groups gnomAD compares: Non-Finnish European, 0.0046%; no homozygotes.

Submissions (2):

Ambry Genetics
Classification: Uncertain significance for Cardiovascular phenotype. Last evaluated: 2025-08-30. Review status: criteria provided, single submitter. Criteria: Ambry Variant Classification Scheme 2023. Collection method: clinical testing. Allele origin: germline.

Labcorp Genetics (formerly Invitae), Labcorp
Classification: Uncertain significance for Brugada syndrome. Last evaluated: 2023-12-19. Review status: criteria provided, single submitter. Criteria: Invitae Variant Classification Sherloc (09022015). Collection method: clinical testing. Allele origin: germline.
Comment: This sequence change replaces glutamine, which is neutral and polar, with glutamic acid, which is acidic and polar, at codon 1037 of the CACNA2D1 protein (p.Gln1037Glu). This variant is present in population databases (rs748929082, gnomAD 0.002%). This variant has not been reported in the literature in individuals affected with CACNA2D1-related conditions. ClinVar contains an entry for this variant (Variation ID: 580922). An algorithm developed to predict the effect of missense changes on protein structure and function (PolyPhen-2) suggests that this variant is likely to be tolerated. In summary, the available evidence is currently insufficient to determine the role of this variant in disease. Therefore, it has been classified as a Variant of Uncertain Significance.

NM_000722.4(CACNA2D1):c.3109C>G (p.Gln1037Glu)

Gene: CACNA2D1 (calcium voltage-gated channel auxiliary subunit alpha2delta 1; minus strand). Cytogenetic location: 7q21.11.
Variant type: single nucleotide variant.
Coding change: c.3109C>G on transcript NM_000722.4 (MANE Select); coding-DNA position 3109, C replaced by G.
Protein change: p.Gln1037Glu; replaces glutamine 1037 with glutamic acid.
Molecular consequence: missense variant.
Genome position (GRCh38, 1-based): chr7:81,959,325, G>C on the plus strand (C>G on the coding strand, the complement: CACNA2D1 is on the minus strand). VCF-style: chr7-81959325-G-C. GRCh37 (hg19) VCF-style: chr7-81588641-G-C.
Other names: c.3145C>G, p.Gln1049Glu (NM_001366867.1); c.3109C>G (NM_000722.2); short protein forms Q1037E, Q1049E.
Identifiers: ClinVar variation 580922 (VCV000580922.10), dbSNP rs748929082, ClinGen allele CA4317381.
Genomic context (GRCh38, chr7:81,959,325, plus strand): 5'-GTGATCTTACCAAGACATTGTTATCAAAGCAGACATCAGGCCCTTTTCGGTATCTGGGTT[G>C]CTTAACCATGTCACAAGGATTTGGACCGTCAGCTAAAAGAGACTTGTTAAGGAATCTCAT-3'
Protein context (NP_000713.2, residues 1027-1047): DGPNPCDMVK[Gln1037Glu]PRYRKGPDVC